The following is an entry in ClinVar:

NM_006308.3(HSPB3):c.126C>G (p.Ile42Met)

Gene: HSPB3 (heat shock protein family B (small) member 3; plus strand). Cytogenetic location: 5q11.2.
Variant type: single nucleotide variant.
Coding change: c.126C>G on transcript NM_006308.3 (MANE Select); coding-DNA position 126, C replaced by G.
Protein change: p.Ile42Met; replaces isoleucine 42 with methionine.
Molecular consequence: missense variant.
Genome position (GRCh38, 1-based): chr5:54,455,915, C>G. VCF-style: chr5-54455915-C-G. GRCh37 (hg19) VCF-style: chr5-53751745-C-G.
Other names: short protein forms I42M.
Identifiers: ClinVar variation 3711544 (VCV003711544.2).

ClinVar aggregate classification (germline): Uncertain significance (1 of 4 stars; one submission).

Conditions:
Neuronopathy, distal hereditary motor, type 2C. Also called: NEUROPATHY, DISTAL HEREDITARY MOTOR, AUTOSOMAL DOMINANT 4; NEURONOPATHY, DISTAL HEREDITARY MOTOR, HARDING TYPE IIC; NEUROPATHY, DISTAL HEREDITARY MOTOR, HARDING TYPE IIC; HMN IIC. Identifiers: Orphanet 139525, MedGen C3150619, MONDO:0013243, OMIM 613376.

gnomAD v4.1: 3 of 1,614,138 alleles (0.00019%); highest among the groups gnomAD compares: Middle Eastern, 0.033%; no homozygotes.

Submission:

Labcorp Genetics (formerly Invitae), Labcorp
Classification: Uncertain significance for Neuronopathy, distal hereditary motor, type 2C. Last evaluated: 2024-12-16. Review status: criteria provided, single submitter. Criteria: Invitae Variant Classification Sherloc (09022015). Collection method: clinical testing. Allele origin: germline.
Comment: This sequence change replaces isoleucine, which is neutral and non-polar, with methionine, which is neutral and non-polar, at codon 42 of the HSPB3 protein (p.Ile42Met). This variant is not present in population databases (gnomAD no frequency). This variant has not been reported in the literature in individuals affected with HSPB3-related conditions. An algorithm developed to predict the effect of missense changes on protein structure and function (PolyPhen-2) suggests that this variant is likely to be tolerated. In summary, the available evidence is currently insufficient to determine the role of this variant in disease. Therefore, it has been classified as a Variant of Uncertain Significance.